The following is an entry in ClinVar:

NM_000059.4(BRCA2):c.581G>C (p.Trp194Ser)

Gene: BRCA2 (BRCA2 DNA repair associated; plus strand). Cytogenetic location: 13q13.1.
Variant type: single nucleotide variant.
Coding change: c.581G>C on transcript NM_000059.4 (MANE Select); coding-DNA position 581, G replaced by C.
Protein change: p.Trp194Ser; replaces tryptophan 194 with serine.
Molecular consequence: missense variant.
Genome position (GRCh38, 1-based): chr13:32,326,563, G>C. VCF-style: chr13-32326563-G-C. GRCh37 (hg19) VCF-style: chr13-32900700-G-C.
Other names: short protein forms W194S.
Identifiers: ClinVar variation 409514 (VCV000409514.17), dbSNP rs80358809, ClinGen allele CA16613911.
Genomic context (GRCh38, chr13:32,326,563, plus strand): 5'-GTCAGACACCAAAACATATTTCTGAAAGTCTAGGAGCTGAGGTGGATCCTGATATGTCTT[G>C]GTCAAGTTCTTTAGCTACACCACCCACCCTTAGTTCTACTGTGCTCATAGGTAATAATAG-3'
Protein context (NP_000050.3, residues 184-204): LGAEVDPDMS[Trp194Ser]SSSLATPPTL

ClinVar aggregate classification (germline): Uncertain significance. Review status: criteria provided, multiple submitters, no conflicts (2 of 4 stars). 3 submissions from 3 submitters: Uncertain significance (3). Last evaluated 2025-12-15.

Conditions:
Familial cancer of breast. Also called: BREAST CANCER, FAMILIAL; hereditary breast carcinoma; Hereditary breast cancer. Identifiers: Orphanet 227535, MedGen C0346153, MONDO:0016419, OMIM 114480. Disease mechanism: loss of function.
Hereditary breast ovarian cancer syndrome. Also called: Breast and ovarian cancer; BRCA1- and BRCA2-Associated Hereditary Breast and Ovarian Cancer; Hereditary breast and ovarian cancer; Hereditary breast and/or ovarian cancer syndrome; Hereditary breast and ovarian cancer syndrome; Hereditary breast and ovarian cancer syndrome (HBOC). Identifiers: Orphanet 145, MedGen C0677776, MeSH D061325, MONDO:0003582. Disease mechanism: loss of function.
Hereditary cancer-predisposing syndrome. Also called: Neoplastic Syndromes, Hereditary; Tumor predisposition; Hereditary neoplastic syndrome; Hereditary Cancer Syndrome. Identifiers: Orphanet 140162, MedGen C0027672, MeSH D009386, MONDO:0015356.

Submissions (3):

Ambry Genetics
Classification: Uncertain significance for Hereditary cancer-predisposing syndrome. Last evaluated: 2025-12-15. Review status: criteria provided, single submitter. Criteria: Ambry Variant Classification Scheme 2023. Collection method: clinical testing. Allele origin: germline.
Comment: The p.W194S variant (also known as c.581G>C), located in coding exon 6 of the BRCA2 gene, results from a G to C substitution at nucleotide position 581. The tryptophan at codon 194 is replaced by serine, an amino acid with highly dissimilar properties. This amino acid position is highly conserved in available vertebrate species. In addition, the in silico prediction for this alteration is inconclusive. Since supporting evidence is limited at this time, the clinical significance of this alteration remains unclear.

Labcorp Genetics (formerly Invitae), Labcorp
Classification: Uncertain significance for Hereditary breast ovarian cancer syndrome. Last evaluated: 2024-11-12. Review status: criteria provided, single submitter. Criteria: Invitae Variant Classification Sherloc (09022015). Collection method: clinical testing. Allele origin: germline.
Comment: This sequence change replaces tryptophan, which is neutral and slightly polar, with serine, which is neutral and polar, at codon 194 of the BRCA2 protein (p.Trp194Ser). This variant is not present in population databases (gnomAD no frequency). This variant has not been reported in the literature in individuals affected with BRCA2-related conditions. ClinVar contains an entry for this variant (Variation ID: 409514). Invitae Evidence Modeling of protein sequence and biophysical properties (such as structural, functional, and spatial information, amino acid conservation, physicochemical variation, residue mobility, and thermodynamic stability) indicates that this missense variant is not expected to disrupt BRCA2 protein function with a negative predictive value of 95%. In summary, the available evidence is currently insufficient to determine the role of this variant in disease. Therefore, it has been classified as a Variant of Uncertain Significance.

Baylor Genetics
Classification: Uncertain significance for Familial cancer of breast. Last evaluated: 2023-06-19. Review status: criteria provided, single submitter. Criteria: ACMG Guidelines, 2015. Collection method: clinical testing. Allele origin: unknown.